The following is an entry in ClinVar:

NM_014915.3(ANKRD26):c.3580A>G (p.Lys1194Glu)

Gene: ANKRD26 (ankyrin repeat domain 26; minus strand). Cytogenetic location: 10p12.1.
Variant type: single nucleotide variant.
Coding change: c.3580A>G on transcript NM_014915.3 (MANE Select); coding-DNA position 3580, A replaced by G.
Protein change: p.Lys1194Glu; replaces lysine 1194 with glutamic acid.
Molecular consequence: missense variant.
Genome position (GRCh38, 1-based): chr10:27,034,870, T>C on the plus strand (A>G on the coding strand, the complement: ANKRD26 is on the minus strand). VCF-style: chr10-27034870-T-C. GRCh37 (hg19) VCF-style: chr10-27323799-T-C.
Other names: c.3577A>G, p.Lys1193Glu (NM_001256053.2); short protein forms K1193E, K1194E.
Identifiers: ClinVar variation 2465699 (VCV002465699.6), dbSNP rs1350423673, ClinGen allele CA376362602.

ClinVar aggregate classification (germline): Uncertain significance. Review status: criteria provided, multiple submitters, no conflicts (2 of 4 stars). 2 submissions from 2 submitters: Uncertain significance (2). Last evaluated 2025-11-03.

Conditions:
Inborn genetic diseases. Identifiers: MedGen C0950123, MeSH D030342.

Allele frequency attached by ClinVar (database versions not stated): gnomAD exomes 0.00001; gnomAD 0.00001; TOPMed 0.00001.

Submissions (2):

Labcorp Genetics (formerly Invitae), Labcorp
Classification: Uncertain significance. Last evaluated: 2025-11-03. Review status: criteria provided, single submitter. Criteria: Invitae Variant Classification Sherloc (09022015). Collection method: clinical testing. Allele origin: germline.
Comment: This sequence change replaces lysine, which is basic and polar, with glutamic acid, which is acidic and polar, at codon 1194 of the ANKRD26 protein (p.Lys1194Glu). This variant is not present in population databases (gnomAD no frequency). This variant has not been reported in the literature in individuals affected with ANKRD26-related conditions. ClinVar contains an entry for this variant (Variation ID: 2465699). An algorithm developed to predict the effect of missense changes on protein structure and function (PolyPhen-2) suggests that this variant is likely to be disruptive. In summary, the available evidence is currently insufficient to determine the role of this variant in disease. Therefore, it has been classified as a Variant of Uncertain Significance.

Ambry Genetics
Classification: Uncertain significance for Inborn genetic diseases. Last evaluated: 2025-02-05. Review status: criteria provided, single submitter. Criteria: Ambry Variant Classification Scheme 2023. Collection method: clinical testing. Allele origin: germline.
Comment: The p.K1194E variant (also known as c.3580A>G), located in coding exon 24 of the ANKRD26 gene, results from an A to G substitution at nucleotide position 3580. The lysine at codon 1194 is replaced by glutamic acid, an amino acid with similar properties. This amino acid position is conserved. In addition, this alteration is predicted to be tolerated by in silico analysis. Based on the available evidence, the clinical significance of this variant remains unclear.